The following is an entry in ClinVar:

NM_001364171.2(ODAD1):c.626G>A (p.Ser209Asn)

Gene: ODAD1 (outer dynein arm docking complex subunit 1; minus strand). Cytogenetic location: 19q13.33.
Variant type: single nucleotide variant.
Coding change: c.626G>A on transcript NM_001364171.2 (MANE Select); coding-DNA position 626, G replaced by A.
Protein change: p.Ser209Asn; replaces serine 209 with asparagine.
Molecular consequence: missense variant.
Genome position (GRCh38, 1-based): chr19:48,306,295, C>T on the plus strand (G>A on the coding strand, the complement: ODAD1 is on the minus strand). VCF-style: chr19-48306295-C-T. GRCh37 (hg19) VCF-style: chr19-48809552-C-T.
Other names: c.515G>A, p.Ser172Asn (NM_144577.4); short protein forms S172N, S209N.
Identifiers: ClinVar variation 262501 (VCV000262501.13), dbSNP rs367799104, ClinGen allele CA9549015.
Genomic context (GRCh38, chr19:48,306,295, plus strand): 5'-CAGGATACCCGCAGTCTCTACCTGACGGCGTAGGCAGAGGTGGAGGAGAGGATAAGGGTG[C>T]TGACCAGGTGATGCAGGTGGTGGATCTCCTGTGGGGGGAGGAGAAAAAAATCAGTGCCAC-3'
Protein context (NP_001351100.1, residues 199-219): KEIHHLHHLV[Ser209Asn]TLILSSTSAY

ClinVar aggregate classification (germline): Conflicting classifications of pathogenicity. Review status: criteria provided, conflicting classifications (1 of 4 stars). 6 submissions from 6 submitters: Uncertain significance (3); Likely benign (2). 1 of the submissions does not count toward it. Last evaluated 2025-07-07.

Conditions:
Fraser syndrome 3. Identifiers: MedGen C4540040, MONDO:0054739, OMIM 617667.
Primary ciliary dyskinesia. Also called: Ciliary dyskinesia. Identifiers: Orphanet 244, MedGen C0008780, MONDO:0016575, HP:0012265.

Allele frequency attached by ClinVar (database versions not stated): gnomAD exomes 0.00009 and 0.00011; gnomAD 0.00011 and 0.00012; TOPMed 0.00012; ExAC 0.00020; ESP Exome Variant Server 0.00022.
gnomAD v4.1: 143 of 1,551,460 alleles (0.0092%); highest among the groups gnomAD compares: Middle Eastern, 0.067%; no homozygotes.

Submissions (6):

Ambry Genetics
Classification: Uncertain significance for Primary ciliary dyskinesia. Last evaluated: 2025-07-07. Review status: criteria provided, single submitter. Criteria: Ambry Variant Classification Scheme 2023. Collection method: clinical testing. Allele origin: germline.
Comment: The p.S172N variant (also known as c.515G>A), located in coding exon 5 of the CCDC114 gene, results from a G to A substitution at nucleotide position 515. The serine at codon 172 is replaced by asparagine, an amino acid with highly similar properties. This amino acid position is conserved. In addition, this alteration is predicted to be tolerated by in silico analysis. Based on the available evidence, the clinical significance of this variant remains unclear.

Blueprint Genetics
Classification: Likely benign. Last evaluated: 2024-11-01. Review status: criteria provided, single submitter. Criteria: ACMG Guidelines, 2015. Collection method: clinical testing. Allele origin: germline.

GeneDx
Classification: Uncertain significance. Last evaluated: 2023-01-13. Review status: criteria provided, single submitter. Criteria: GeneDx Variant Classification Process June 2021. Collection method: clinical testing. Allele origin: germline. Affected: yes.
Comment: In silico analysis supports that this missense variant does not alter protein structure/function; Has not been previously published as pathogenic or benign to our knowledge

Labcorp Genetics (formerly Invitae), Labcorp
Classification: Uncertain significance for Primary ciliary dyskinesia. Last evaluated: 2022-09-13. Review status: criteria provided, single submitter. Criteria: Invitae Variant Classification Sherloc (09022015). Collection method: clinical testing. Allele origin: germline.
Comment: This sequence change replaces serine, which is neutral and polar, with asparagine, which is neutral and polar, at codon 172 of the CCDC114 protein (p.Ser172Asn). This variant is present in population databases (rs367799104, gnomAD 0.02%). This variant has not been reported in the literature in individuals affected with CCDC114-related conditions. ClinVar contains an entry for this variant (Variation ID: 262501). Algorithms developed to predict the effect of missense changes on protein structure and function output the following: SIFT: "Tolerated"; PolyPhen-2: "Benign"; Align-GVGD: "Class C0". The asparagine amino acid residue is found in multiple mammalian species, which suggests that this missense change does not adversely affect protein function. In summary, the available evidence is currently insufficient to determine the role of this variant in disease. Therefore, it has been classified as a Variant of Uncertain Significance.

PreventionGenetics, part of Exact Sciences
Classification: Likely benign. Review status: criteria provided, single submitter. Criteria: ACMG Guidelines, 2015. Collection method: clinical testing. Allele origin: germline.

Department of Molecular Biology and Genetics, Acibadem University
Classification: Uncertain significance for Fraser syndrome 3. Review status: no assertion criteria provided. Collection method: research. Allele origin: unknown. Inheritance: Autosomal recessive inheritance. Affected: yes. Not counted in ClinVar's aggregate classification.